The following is an entry in ClinVar:

ClinVar aggregate classification (germline): Uncertain significance (1 of 4 stars; one submission).

Submission:

Labcorp Genetics (formerly Invitae), Labcorp
Classification: Uncertain significance. Last evaluated: 2023-01-26. Review status: criteria provided, single submitter. Criteria: Invitae Variant Classification Sherloc (09022015). Collection method: clinical testing. Allele origin: germline.
Comment: Advanced modeling of protein sequence and biophysical properties (such as structural, functional, and spatial information, amino acid conservation, physicochemical variation, residue mobility, and thermodynamic stability) performed at Invitae indicates that this missense variant is not expected to disrupt INTU protein function. In summary, the available evidence is currently insufficient to determine the role of this variant in disease. Therefore, it has been classified as a Variant of Uncertain Significance. This variant has not been reported in the literature in individuals affected with INTU-related conditions. This variant is not present in population databases (gnomAD no frequency). This sequence change replaces isoleucine, which is neutral and non-polar, with phenylalanine, which is neutral and non-polar, at codon 173 of the INTU protein (p.Ile173Phe).

NM_015693.4(INTU):c.517A>T (p.Ile173Phe)

Gene: INTU (inturned planar cell polarity protein; plus strand). Cytogenetic location: 4q28.1.
Variant type: single nucleotide variant.
Coding change: c.517A>T on transcript NM_015693.4 (MANE Select); coding-DNA position 517, A replaced by T.
Protein change: p.Ile173Phe; replaces isoleucine 173 with phenylalanine.
Molecular consequence: missense variant.
Genome position (GRCh38, 1-based): chr4:127,643,891, A>T. VCF-style: chr4-127643891-A-T. GRCh37 (hg19) VCF-style: chr4-128565046-A-T.
Other names: short protein forms I173F.
Identifiers: ClinVar variation 2832236 (VCV002832236.3), dbSNP rs1727448341, ClinGen allele CA358133895.